The following is an entry in ClinVar:

NM_000059.4(BRCA2):c.8891G>C (p.Arg2964Thr)

Gene: BRCA2 (BRCA2 DNA repair associated; plus strand). Cytogenetic location: 13q13.1.
Variant type: single nucleotide variant.
Coding change: c.8891G>C on transcript NM_000059.4 (MANE Select); coding-DNA position 8891, G replaced by C.
Protein change: p.Arg2964Thr; replaces arginine 2964 with threonine.
Molecular consequence: missense variant.
Genome position (GRCh38, 1-based): chr13:32,379,453, G>C. VCF-style: chr13-32379453-G-C. GRCh37 (hg19) VCF-style: chr13-32953590-G-C.
Other names: short protein forms R2964T.
Identifiers: ClinVar variation 633105 (VCV000633105.7), dbSNP rs1555288392, ClinGen allele CA387756495.

ClinVar aggregate classification (germline): Uncertain significance. Review status: criteria provided, multiple submitters, no conflicts (2 of 4 stars). 2 submissions from 2 submitters: Uncertain significance (2). Last evaluated 2023-03-02.

Conditions:
Hereditary breast ovarian cancer syndrome. Also called: Hereditary breast and ovarian cancer; Hereditary breast and ovarian cancer syndrome (HBOC); Breast and ovarian cancer; Hereditary breast and ovarian cancer syndrome; BRCA1- and BRCA2-Associated Hereditary Breast and Ovarian Cancer; Hereditary breast and/or ovarian cancer syndrome. Identifiers: Orphanet 145, MedGen C0677776, MeSH D061325, MONDO:0003582. Disease mechanism: loss of function.

Allele frequency attached by ClinVar (database versions not stated): gnomAD exomes below 0.00001.
gnomAD v4.1: 1 of 1,613,368 alleles (0.000062%); highest among the groups gnomAD compares: East Asian, 0.0022%; no homozygotes.

Submissions (2):

Women's Health and Genetics/Laboratory Corporation of America, LabCorp
Classification: Uncertain significance. Last evaluated: 2023-03-02. Review status: criteria provided, single submitter. Criteria: LabCorp Variant Classification Summary - May 2015. Collection method: clinical testing. Allele origin: germline.
Comment: Variant summary: BRCA2 c.8891G>C (p.Arg2964Thr) results in a non-conservative amino acid change in the encoded protein sequence. Five of five in-silico tools predict a damaging effect of the variant on protein function. The variant was absent in 249982 control chromosomes (gnomAD). The available data on variant occurrences in the general population are insufficient to allow any conclusion about variant significance. The variant, c.8891G>C, has been reported in the literature in one individual affected with pancreatic ductal adenocarcinoma (Takeuchi_2018). This report does not provide unequivocal conclusions about association of the variant with Hereditary Breast and Ovarian Cancer. To our knowledge, no experimental evidence demonstrating an impact on protein function has been reported. One clinical diagnostic laboratory has submitted clinical-significance assessments for this variant to ClinVar after 2014 and classified the variant as uncertain significance. Based on the evidence outlined above, the variant was classified as uncertain significance.

Labcorp Genetics (formerly Invitae), Labcorp
Classification: Uncertain significance for Hereditary breast ovarian cancer syndrome. Last evaluated: 2021-10-01. Review status: criteria provided, single submitter. Criteria: Invitae Variant Classification Sherloc (09022015). Collection method: clinical testing. Allele origin: germline.
Comment: This missense change has been observed in individual(s) with pancreatic ductal adenocarcinoma (PMID: 29802286). This variant is not present in population databases (ExAC no frequency). This sequence change replaces arginine with threonine at codon 2964 of the BRCA2 protein (p.Arg2964Thr). The arginine residue is highly conserved and there is a moderate physicochemical difference between arginine and threonine. ClinVar contains an entry for this variant (Variation ID: 633105). In summary, the available evidence is currently insufficient to determine the role of this variant in disease. Therefore, it has been classified as a Variant of Uncertain Significance. Advanced modeling of protein sequence and biophysical properties (such as structural, functional, and spatial information, amino acid conservation, physicochemical variation, residue mobility, and thermodynamic stability) performed at Invitae indicates that this missense variant is not expected to disrupt BRCA2 protein function.

Literature cited by the submitters: PubMed 29802286 (cited by Women's Health and Genetics/Laboratory Corporation of America, LabCorp and Labcorp Genetics (formerly Invitae), Labcorp).